The following is an entry in ClinVar:

ClinVar aggregate classification (germline): Benign/Likely benign. Review status: criteria provided, multiple submitters, no conflicts (2 of 4 stars). 7 submissions from 7 submitters: Benign (4); Likely benign (1). 2 of the submissions do not count toward it. Last evaluated 2026-02-03.

Allele frequency attached by ClinVar (database versions not stated): 1000 Genomes Project 30x 0.03982; TOPMed 0.06501; gnomAD 0.06600 and 0.06706; ExAC 0.07035; ESP Exome Variant Server 0.07673; 1000 Genomes Project 0.03734.
gnomAD v4.1: 142,445 of 1,613,954 alleles (8.8%); highest among the groups gnomAD compares: Middle Eastern, 11%; 7,298 homozygotes.

Submissions (7):

Labcorp Genetics (formerly Invitae), Labcorp
Classification: Benign. Last evaluated: 2026-02-03. Review status: criteria provided, single submitter. Criteria: Invitae Variant Classification Sherloc (09022015). Collection method: clinical testing. Allele origin: germline.

Blueprint Genetics
Classification: Likely benign. Last evaluated: 2024-11-27. Review status: criteria provided, single submitter. Criteria: ACMG Guidelines, 2015. Collection method: clinical testing. Allele origin: germline.

Women's Health and Genetics/Laboratory Corporation of America, LabCorp
Classification: Benign. Last evaluated: 2017-07-06. Review status: criteria provided, single submitter. Criteria: LabCorp Variant Classification Summary - May 2015. Collection method: clinical testing. Allele origin: germline.
Comment: Variant summary: The A2ML1 c.1275A>G (p.Val425Val) variant involves the alteration of a non-conserved nucleotide, resulting in a synonymous change. Mutation taster predicts a benign outcome for this variant. 5/5 splice prediction tools predict no significant impact on normal splicing. ESE finder predicts that this variant may affect ESE site of SRp55. However, these predictions have yet to be confirmed by functional studies. This variant was found in 8489/120660 control chromosomes (396 homozygotes) from ExAC at a frequency of 0.0703547, which is approximately 17589 times the estimated maximal expected allele frequency of a pathogenic A2ML1 variant (0.000004), thus it is a benign common polymorphism. In addition, a clinical diagnostic laboratory (via ClinVar) has classified this variant as benign. It has also been published as a benign SNP in literature (Justino_2014/2015). Taken together, this variant is classified as benign.

GeneDx
Classification: Benign. Last evaluated: 2016-09-29. Review status: criteria provided, single submitter. Criteria: GeneDx Variant Classification (06012015). Collection method: clinical testing. Allele origin: germline. Affected: yes.
Comment: This variant is considered likely benign or benign based on one or more of the following criteria: it is a conservative change, it occurs at a poorly conserved position in the protein, it is predicted to be benign by multiple in silico algorithms, and/or has population frequency not consistent with disease.

Breakthrough Genomics
Classification: Benign. Review status: criteria provided, single submitter. Criteria: ACMG Guidelines, 2015. Collection method: not provided. Allele origin: germline. Inheritance: Autosomal dominant inheritance. Affected: yes.

Clinical Genetics, Academic Medical Center
Classification: Benign. Review status: no assertion criteria provided. Collection method: clinical testing. Allele origin: germline. Affected: yes. Study: VKGL Data-share Consensus. Not counted in ClinVar's aggregate classification.

Joint Genome Diagnostic Labs from Nijmegen and Maastricht, Radboudumc and MUMC+
Classification: Benign. Review status: no assertion criteria provided. Collection method: clinical testing. Allele origin: germline. Affected: yes. Study: VKGL Data-share Consensus. Not counted in ClinVar's aggregate classification.

Literature cited by the submitters: PubMed 24896146 (cited by Women's Health and Genetics/Laboratory Corporation of America, LabCorp).

NM_144670.6(A2ML1):c.1275A>G (p.Val425=)

Gene: A2ML1 (alpha-2-macroglobulin like 1; plus strand). Cytogenetic location: 12p13.31.
Variant type: single nucleotide variant.
Coding change: c.1275A>G on transcript NM_144670.6 (MANE Select); coding-DNA position 1275, A replaced by G.
Protein change: p.Val425=; no amino-acid change (valine 425 retained).
Molecular consequence: synonymous variant.
Genome position (GRCh38, 1-based): chr12:8,843,160, A>G. VCF-style: chr12-8843160-A-G. GRCh37 (hg19) VCF-style: chr12-8995756-A-G.
Identifiers: ClinVar variation 384677 (VCV000384677.16), dbSNP rs7308106, ClinGen allele CA6435610.